The following is an entry in ClinVar:

ClinVar aggregate classification (germline): Uncertain significance (1 of 4 stars; one submission).

Conditions:
Early-infantile DEE. Also called: Early infantile epileptic encephalopathy; Early infantile epileptic encephalopathy with suppression bursts; Ohtahara syndrome. Identifiers: Orphanet 1934, MedGen C0393706, MONDO:0800491.

Allele frequency attached by ClinVar (database versions not stated): TOPMed below 0.00001; gnomAD 0.00001.

Submission:

Labcorp Genetics (formerly Invitae), Labcorp
Classification: Uncertain significance for Early-infantile DEE. Last evaluated: 2022-03-19. Review status: criteria provided, single submitter. Criteria: Invitae Variant Classification Sherloc (09022015). Collection method: clinical testing. Allele origin: germline.
Comment: In summary, the available evidence is currently insufficient to determine the role of this variant in disease. Therefore, it has been classified as a Variant of Uncertain Significance. Algorithms developed to predict the effect of missense changes on protein structure and function are either unavailable or do not agree on the potential impact of this missense change (SIFT: "Tolerated"; PolyPhen-2: "Probably Damaging"; Align-GVGD: "Class C0"). This variant has not been reported in the literature in individuals affected with CACNA2D2-related conditions. This variant is not present in population databases (gnomAD no frequency). This sequence change replaces glutamine, which is neutral and polar, with arginine, which is basic and polar, at codon 66 of the CACNA2D2 protein (p.Gln66Arg).

NM_006030.4(CACNA2D2):c.197A>G (p.Gln66Arg)

Gene: CACNA2D2 (calcium voltage-gated channel auxiliary subunit alpha2delta 2; minus strand). Cytogenetic location: 3p21.31.
Variant type: single nucleotide variant.
Coding change: c.197A>G on transcript NM_006030.4 (MANE Select); coding-DNA position 197, A replaced by G.
Protein change: p.Gln66Arg; replaces glutamine 66 with arginine.
Molecular consequence: missense variant. On other transcripts: intron variant (1).
Genome position (GRCh38, 1-based): chr3:50,503,227, T>C on the plus strand (A>G on the coding strand, the complement: CACNA2D2 is on the minus strand). VCF-style: chr3-50503227-T-C. GRCh37 (hg19) VCF-style: chr3-50540658-T-C.
Other names: c.197A>G, p.Gln66Arg (NM_001005505.3, NM_001174051.3); c.-2+842A>G (NM_001291101.1); short protein forms Q66R.
Identifiers: ClinVar variation 1352293 (VCV001352293.9), dbSNP rs1212587301, ClinGen allele CA353000183.